The following is an entry in ClinVar:

NM_000475.5(NR0B1):c.68C>T (p.Thr23Met)

Gene: NR0B1 (nuclear receptor subfamily 0 group B member 1; minus strand). Cytogenetic location: Xp21.2.
Variant type: single nucleotide variant.
Coding change: c.68C>T on transcript NM_000475.5 (MANE Select); coding-DNA position 68, C replaced by T.
Protein change: p.Thr23Met; replaces threonine 23 with methionine.
Molecular consequence: missense variant.
Genome position (GRCh38, 1-based): chrX:30,309,296, G>A on the plus strand (C>T on the coding strand, the complement: NR0B1 is on the minus strand). VCF-style: chrX-30309296-G-A. GRCh37 (hg19) VCF-style: chrX-30327413-G-A.
Other names: short protein forms T23M.
Identifiers: ClinVar variation 4794426 (VCV004794426.1).

ClinVar aggregate classification (germline): Uncertain significance (1 of 4 stars; one submission).

Conditions:
Congenital adrenal hypoplasia, X-linked (AHC). Also called: Isolated X-Linked Adrenal Hypoplasia Congenita; X-linked AHC; X-Linked Adrenal Hypoplasia Congenita; ADRENAL HYPOPLASIA, CONGENITAL, WITH HYPOGONADOTROPIC HYPOGONADISM. Identifiers: Orphanet 95702, MedGen C0342482, MONDO:0010264, OMIM 300200. Disease mechanism: loss of function.
46,XY sex reversal 2. Also called: NR0B1-Related 46,XY CGD; NR0B1-related 46,XY complete gonadal dysgenesis; Dosage-sensitive sex reversal; 46,XY SEX REVERSAL, DAX1-RELATED; 46XY sex reversal 2, dosage-sensitive. Identifiers: MedGen C1848296, MONDO:0010226, OMIM 300018.

Submission:

Labcorp Genetics (formerly Invitae), Labcorp
Classification: Uncertain significance for Congenital adrenal hypoplasia, X-linked; 46,XY sex reversal 2. Last evaluated: 2025-09-10. Review status: criteria provided, single submitter. Criteria: Invitae Variant Classification Sherloc (09022015). Collection method: clinical testing. Allele origin: germline.
Comment: This sequence change replaces threonine, which is neutral and polar, with methionine, which is neutral and non-polar, at codon 23 of the NR0B1 protein (p.Thr23Met). The frequency data for this variant in the population databases is considered unreliable, as metrics indicate poor data quality at this position in the gnomAD database. This variant has not been reported in the literature in individuals affected with NR0B1-related conditions. Invitae Evidence Modeling of protein sequence and biophysical properties (such as structural, functional, and spatial information, amino acid conservation, physicochemical variation, residue mobility, and thermodynamic stability) indicates that this missense variant is not expected to disrupt NR0B1 protein function with a negative predictive value of 80%. In summary, the available evidence is currently insufficient to determine the role of this variant in disease. Therefore, it has been classified as a Variant of Uncertain Significance.